The following is an entry in ClinVar:

ClinVar aggregate classification (germline): Likely benign. Review status: criteria provided, multiple submitters, no conflicts (2 of 4 stars). 2 submissions from 2 submitters: Likely benign (2). Last evaluated 2024-06-17.

Conditions:
Ataxia-telangiectasia syndrome (AT). Also called: ATAXIA-TELANGIECTASIA, COMPLEMENTATION GROUP A; ATAXIA-TELANGIECTASIA, FRESNO VARIANT; Ataxia-telangiectasia; Ataxia-telangiectasia, complementation group E; LOUIS-BAR SYNDROME; Cerebello-oculocutaneous telangiectasia. Identifiers: Orphanet 100, MedGen C0004135, MONDO:0008840, OMIM 208900.
Familial cancer of breast. Also called: BREAST CANCER, FAMILIAL; Hereditary breast cancer; hereditary breast carcinoma. Identifiers: Orphanet 227535, MedGen C0346153, MONDO:0016419, OMIM 114480. Disease mechanism: loss of function.

Submissions (2):

Myriad Genetics, Inc.
Classification: Likely benign for Familial cancer of breast. Last evaluated: 2024-06-17. Review status: criteria provided, single submitter. Criteria: Myriad Autosomal Dominant, Autosomal Recessive and X-Linked Classification Criteria (2023). Collection method: clinical testing. Allele origin: unknown.
Comment: This variant is considered likely benign. This variant is intronic and is not expected to impact mRNA splicing.

Labcorp Genetics (formerly Invitae), Labcorp
Classification: Likely benign for Ataxia-telangiectasia syndrome. Last evaluated: 2024-03-01. Review status: criteria provided, single submitter. Criteria: Invitae Variant Classification Sherloc (09022015). Collection method: clinical testing. Allele origin: germline.

NM_000051.4(ATM):c.7789-14T>C

Genes: ATM (ATM serine/threonine kinase; plus strand), C11orf65 (chromosome 11 open reading frame 65; minus strand). Cytogenetic location: 11q22.3.
Variant type: single nucleotide variant.
Coding change: c.7789-14T>C on transcript NM_000051.4 (MANE Select); 14 bases into the intron before coding-DNA position 7789, T replaced by C.
Molecular consequence: intron variant.
Genome position (GRCh38, 1-based): chr11:108,332,748, T>C. VCF-style: chr11-108332748-T-C. GRCh37 (hg19) VCF-style: chr11-108203475-T-C.
Other names: c.7789-14T>C (NM_001351834.2); c.641-23677A>G (NM_001330368.2); c.*38+2472A>G (NM_001351110.2).
Identifiers: ClinVar variation 2884167 (VCV002884167.4), dbSNP rs961324792, ClinGen allele CA2724951693.